The following is an entry in ClinVar:

NM_020964.3(EPG5):c.3424C>T (p.Pro1142Ser)

Gene: EPG5 (ectopic P-granules 5 autophagy tethering factor; minus strand). Cytogenetic location: 18q21.1.
Variant type: single nucleotide variant.
Coding change: c.3424C>T on transcript NM_020964.3 (MANE Select); coding-DNA position 3424, C replaced by T.
Protein change: p.Pro1142Ser; replaces proline 1142 with serine.
Molecular consequence: missense variant.
Genome position (GRCh38, 1-based): chr18:45,916,167, G>A on the plus strand (C>T on the coding strand, the complement: EPG5 is on the minus strand). VCF-style: chr18-45916167-G-A. GRCh37 (hg19) VCF-style: chr18-43496132-G-A.
Other names: c.3424C>T, p.Pro1142Ser (NM_001410858.1, NM_001410859.1); short protein forms P1142S.
Identifiers: ClinVar variation 2082821 (VCV002082821.4), dbSNP rs2511822115, ClinGen allele CA402342623.

ClinVar aggregate classification (germline): Uncertain significance (1 of 4 stars; one submission).

Conditions:
Vici syndrome (VICIS). Identifiers: Orphanet 1493, MedGen C1855772, MONDO:0009452, OMIM 242840.

Allele frequency attached by ClinVar (database versions not stated): gnomAD exomes below 0.00001.
gnomAD v4.1: 1 of 1,613,966 alleles (0.000062%); highest among the groups gnomAD compares: Non-Finnish European, 0.000085%; no homozygotes.

Submission:

Labcorp Genetics (formerly Invitae), Labcorp
Classification: Uncertain significance for Vici syndrome. Last evaluated: 2022-01-14. Review status: criteria provided, single submitter. Criteria: Invitae Variant Classification Sherloc (09022015). Collection method: clinical testing. Allele origin: germline.
Comment: This sequence change replaces proline, which is neutral and non-polar, with serine, which is neutral and polar, at codon 1142 of the EPG5 protein (p.Pro1142Ser). This variant is not present in population databases (gnomAD no frequency). This variant has not been reported in the literature in individuals affected with EPG5-related conditions. Algorithms developed to predict the effect of missense changes on protein structure and function are either unavailable or do not agree on the potential impact of this missense change (SIFT: "Tolerated"; PolyPhen-2: "Probably Damaging"; Align-GVGD: "Class C0"). In summary, the available evidence is currently insufficient to determine the role of this variant in disease. Therefore, it has been classified as a Variant of Uncertain Significance.